The following is an entry in ClinVar:

NM_007327.4(GRIN1):c.747C>T (p.Val249=)

Gene: GRIN1 (glutamate ionotropic receptor NMDA type subunit 1; plus strand). Cytogenetic location: 9q34.3.
Variant type: single nucleotide variant.
Coding change: c.747C>T on transcript NM_007327.4 (MANE Select); coding-DNA position 747, C replaced by T.
Protein change: p.Val249=; no amino-acid change (valine 249 retained).
Molecular consequence: synonymous variant.
Genome position (GRCh38, 1-based): chr9:137,156,744, C>T. VCF-style: chr9-137156744-C-T. GRCh37 (hg19) VCF-style: chr9-140051196-C-T.
Other names: c.747C>T, p.Val249= (NM_000832.7, NM_021569.4); c.810C>T, p.Val270= (NM_001185090.2, NM_001185091.2).
Identifiers: ClinVar variation 387574 (VCV000387574.2), dbSNP rs199802957, ClinGen allele CA16605800.

ClinVar aggregate classification (germline): Likely benign. Review status: criteria provided, multiple submitters, no conflicts (2 of 4 stars). 2 submissions from 2 submitters: Likely benign (2). Last evaluated 2025-02-16.

Conditions:
Neurodevelopmental disorder with or without hyperkinetic movements and seizures, autosomal dominant. Also called: Intellectual disability, autosomal dominant 8. Identifiers: MedGen C3280282, MONDO:0013655, OMIM 614254.

Allele frequency attached by ClinVar (database versions not stated): gnomAD 0.00001.
gnomAD v4.1: 2 of 1,585,840 alleles (0.00013%); highest among the groups gnomAD compares: Non-Finnish European, 0.000086%; no homozygotes.

Submissions (2):

Labcorp Genetics (formerly Invitae), Labcorp
Classification: Likely benign for Neurodevelopmental disorder with or without hyperkinetic movements and seizures, autosomal dominant. Last evaluated: 2025-02-16. Review status: criteria provided, single submitter. Criteria: Invitae Variant Classification Sherloc (09022015). Collection method: clinical testing. Allele origin: germline.

GeneDx
Classification: Likely benign. Last evaluated: 2016-07-15. Review status: criteria provided, single submitter. Criteria: GeneDx Variant Classification (06012015). Collection method: clinical testing. Allele origin: germline. Affected: yes.
Comment: This variant is considered likely benign or benign based on one or more of the following criteria: it is a conservative change, it occurs at a poorly conserved position in the protein, it is predicted to be benign by multiple in silico algorithms, and/or has population frequency not consistent with disease.